The following is an entry in ClinVar:

NM_021927.3(GUF1):c.1685C>G (p.Thr562Ser)

Gene: GUF1 (GTP binding elongation factor GUF1; plus strand). Cytogenetic location: 4p12.
Variant type: single nucleotide variant.
Coding change: c.1685C>G on transcript NM_021927.3 (MANE Select); coding-DNA position 1685, C replaced by G.
Protein change: p.Thr562Ser; replaces threonine 562 with serine.
Molecular consequence: missense variant.
Genome position (GRCh38, 1-based): chr4:44,694,483, C>G. VCF-style: chr4-44694483-C-G. GRCh37 (hg19) VCF-style: chr4-44696500-C-G.
Other names: c.713C>G, p.Thr238Ser (NM_001345867.2, NM_001345869.2); c.1685C>G, p.Thr562Ser (NM_001345868.2); short protein forms T238S, T562S.
Identifiers: ClinVar variation 2814319 (VCV002814319.3), dbSNP rs942299870, ClinGen allele CA356764643.

ClinVar aggregate classification (germline): Uncertain significance (1 of 4 stars; one submission).

gnomAD v4.1: 1 of 1,605,554 alleles (0.000062%); no homozygotes.

Submission:

Labcorp Genetics (formerly Invitae), Labcorp
Classification: Uncertain significance. Last evaluated: 2022-11-15. Review status: criteria provided, single submitter. Criteria: Invitae Variant Classification Sherloc (09022015). Collection method: clinical testing. Allele origin: germline.
Comment: In summary, the available evidence is currently insufficient to determine the role of this variant in disease. Therefore, it has been classified as a Variant of Uncertain Significance. Algorithms developed to predict the effect of missense changes on protein structure and function (SIFT, PolyPhen-2, Align-GVGD) all suggest that this variant is likely to be tolerated. This variant has not been reported in the literature in individuals affected with GUF1-related conditions. This variant is not present in population databases (gnomAD no frequency). This sequence change replaces threonine, which is neutral and polar, with serine, which is neutral and polar, at codon 562 of the GUF1 protein (p.Thr562Ser).